The following is an entry in ClinVar:

NM_001079802.2(FKTN):c.1283A>G (p.Lys428Arg)

Gene: FKTN (fukutin; plus strand). Cytogenetic location: 9q31.2.
Variant type: single nucleotide variant.
Coding change: c.1283A>G on transcript NM_001079802.2 (MANE Select); coding-DNA position 1283, A replaced by G.
Protein change: p.Lys428Arg; replaces lysine 428 with arginine.
Molecular consequence: missense variant. On other transcripts: 3 prime UTR variant (1), non-coding transcript variant (2), intron variant (1).
Genome position (GRCh38, 1-based): chr9:105,635,161, A>G. VCF-style: chr9-105635161-A-G. GRCh37 (hg19) VCF-style: chr9-108397442-A-G.
Other names: c.1283A>G, p.Lys428Arg (NM_001351496.2, NM_006731.2); c.1214A>G, p.Lys405Arg (NM_001351497.2); c.*75A>G (NM_001351498.2); c.887A>G, p.Lys296Arg (NM_001351499.2, NM_001351500.2, NM_001351501.2 and 1 more transcripts); c.1270+13A>G (NM_001198963.2); short protein forms K296R, K405R, K428R.
Identifiers: ClinVar variation 1438053 (VCV001438053.10), dbSNP rs1833937117, ClinGen allele CA374378252.

ClinVar aggregate classification (germline): Uncertain significance. Review status: criteria provided, multiple submitters, no conflicts (2 of 4 stars). 4 submissions from 4 submitters: Uncertain significance (4). Last evaluated 2025-02-09.

Conditions:
Cardiovascular phenotype. Identifiers: MedGen CN230736.
Walker-Warburg congenital muscular dystrophy. Also called: Muscular dystrophy-dystroglycanopathy, type A; Walker-Warburg syndrome. Identifiers: Orphanet 899, MedGen C0265221, MONDO:0000171.
Dilated cardiomyopathy 1X (CMD1X). Also called: FKTN-Related Dilated Cardiomyopathy; CARDIOMYOPATHY, DILATED, WITH MILD OR NO PROXIMAL MUSCLE WEAKNESS. Identifiers: Orphanet 154, MedGen C1969024, MONDO:0012704, OMIM 611615.
Autosomal recessive limb-girdle muscular dystrophy type 2M. Also called: MUSCULAR DYSTROPHY-DYSTROGLYCANOPATHY (LIMB-GIRDLE), TYPE C, 4; MUSCULAR DYSTROPHY, LIMB-GIRDLE, TYPE 2M. Identifiers: Orphanet 206554, MedGen C1969040, MONDO:0012699, OMIM 611588.
Muscular dystrophy-dystroglycanopathy (congenital with brain and eye anomalies), type A, 4 (MDDGA4). Also called: Walker-Warburg Syndrome, Fktn-Related; Muscular dystrophy, congenital progressive, with mental retardation; Muscular dystrophy, congenital, with central nervous system involvement; Cerebromuscular dystrophy, Fukuyama type; Fukuyama congenital muscular dystrophy; Congenital muscular dystrophy-dystroglycanopathy with brain and eye anomalies, type A4. Identifiers: Orphanet 272, Orphanet 588, Orphanet 899, MedGen C0410174, MONDO:0009678, OMIM 253800.
Muscular dystrophy-dystroglycanopathy (congenital without impaired intellectual development), type B, 4. Also called: Muscular dystrophy-dystroglycanopathy (congenital without intellectual disability), type B4; MUSCULAR DYSTROPHY, CONGENITAL, FKTN-RELATED. Identifiers: MedGen C2751052, MONDO:0013156, OMIM 613152.
Muscular dystrophy-dystroglycanopathy (congenital with brain and eye anomalies), type A1 (MDDGA1). Also called: COD-MD SYNDROME; Muscular dystrophy-dystroglycanopathy (congenital with brain and eye anomalies), type A, 1; WALKER-WARBURG SYNDROME OR MUSCLE-EYE-BRAIN DISEASE, POMT1-RELATED; Hydrocephalus, agyria and retinal dysplasia; Hard +/- E syndrome; Warburg syndrome. Identifiers: Orphanet 588, Orphanet 899, MedGen C4284790, MONDO:0009364, OMIM 236670.

Allele frequency attached by ClinVar (database versions not stated): gnomAD 0.00001; gnomAD exomes below 0.00001.
gnomAD v4.1: 4 of 1,613,990 alleles (0.00025%); highest among the groups gnomAD compares: East Asian, 0.0045%; no homozygotes.

Submissions (4):

Women's Health and Genetics/Laboratory Corporation of America, LabCorp
Classification: Uncertain significance. Last evaluated: 2025-02-09. Review status: criteria provided, single submitter. Criteria: LabCorp Variant Classification Summary - May 2015. Collection method: clinical testing. Allele origin: germline.

Ambry Genetics
Classification: Uncertain significance for Cardiovascular phenotype. Last evaluated: 2024-12-29. Review status: criteria provided, single submitter. Criteria: Ambry Variant Classification Scheme 2023. Collection method: clinical testing. Allele origin: germline.
Comment: The p.K428R variant (also known as c.1283A>G), located in coding exon 9 of the FKTN gene, results from an A to G substitution at nucleotide position 1283. The lysine at codon 428 is replaced by arginine, an amino acid with highly similar properties. This amino acid position is not well conserved in available vertebrate species, and arginine is the reference amino acid in other vertebrate species. In addition, this alteration is predicted to be tolerated by in silico analysis. Since supporting evidence is limited at this time, the clinical significance of this alteration remains unclear.

Labcorp Genetics (formerly Invitae), Labcorp
Classification: Uncertain significance for Walker-Warburg congenital muscular dystrophy. Last evaluated: 2022-07-25. Review status: criteria provided, single submitter. Criteria: Invitae Variant Classification Sherloc (09022015). Collection method: clinical testing. Allele origin: germline.
Comment: This sequence change replaces lysine, which is basic and polar, with arginine, which is basic and polar, at codon 428 of the FKTN protein (p.Lys428Arg). This variant is not present in population databases (gnomAD no frequency). This variant has not been reported in the literature in individuals affected with FKTN-related conditions. ClinVar contains an entry for this variant (Variation ID: 1438053). Algorithms developed to predict the effect of missense changes on protein structure and function output the following: SIFT: "Tolerated"; PolyPhen-2: "Benign"; Align-GVGD: "Class C0". The arginine amino acid residue is found in multiple mammalian species, which suggests that this missense change does not adversely affect protein function. In summary, the available evidence is currently insufficient to determine the role of this variant in disease. Therefore, it has been classified as a Variant of Uncertain Significance.

Fulgent Genetics
Classification: Uncertain significance for Muscular dystrophy-dystroglycanopathy (congenital with brain and eye anomalies), type A1; Muscular dystrophy-dystroglycanopathy (congenital with brain and eye anomalies), type A, 4; Autosomal recessive limb-girdle muscular dystrophy type 2M; Dilated cardiomyopathy 1X; Muscular dystrophy-dystroglycanopathy (congenital without impaired intellectual development), type B, 4. Last evaluated: 2021-08-04. Review status: criteria provided, single submitter. Criteria: ACMG Guidelines, 2015. Collection method: clinical testing. Allele origin: unknown.